The following is an entry in ClinVar:

NM_001017980.4(VMA21):c.164G>A (p.Gly55Asp)

Gene: VMA21 (vacuolar ATPase assembly factor VMA21; plus strand). Cytogenetic location: Xq28.
Variant type: single nucleotide variant.
Coding change: c.164G>A on transcript NM_001017980.4 (MANE Select); coding-DNA position 164, G replaced by A.
Protein change: p.Gly55Asp; replaces glycine 55 with aspartic acid.
Molecular consequence: missense variant.
Genome position (GRCh38, 1-based): chrX:151,404,916, G>A. VCF-style: chrX-151404916-G-A. GRCh37 (hg19) VCF-style: chrX-150573388-G-A.
Other names: c.329G>A, p.Gly110Asp (NM_001363810.1); short protein forms G55D, G110D.
Identifiers: ClinVar variation 2805126 (VCV002805126.3), dbSNP rs1306425454, ClinGen allele CA415271127.

ClinVar aggregate classification (germline): Uncertain significance (1 of 4 stars; one submission).

Conditions:
X-linked myopathy with excessive autophagy (AVM). Also called: Vacuolar myopathy; Autophagic vacuolar myopathy. Identifiers: Orphanet 25980, MedGen C1839615, MONDO:0010684, OMIM 310440.

Allele frequency attached by ClinVar (database versions not stated): TOPMed below 0.00001; gnomAD 0.00001.

Submission:

Labcorp Genetics (formerly Invitae), Labcorp
Classification: Uncertain significance for X-linked myopathy with excessive autophagy. Last evaluated: 2023-08-17. Review status: criteria provided, single submitter. Criteria: Invitae Variant Classification Sherloc (09022015). Collection method: clinical testing. Allele origin: germline.
Comment: In summary, the available evidence is currently insufficient to determine the role of this variant in disease. Therefore, it has been classified as a Variant of Uncertain Significance. Algorithms developed to predict the effect of sequence changes on RNA splicing suggest that this variant may disrupt the consensus splice site. An algorithm developed to predict the effect of missense changes on protein structure and function (PolyPhen-2) suggests that this variant is likely to be tolerated. This variant has not been reported in the literature in individuals affected with VMA21-related conditions. This variant is not present in population databases (gnomAD no frequency). This sequence change replaces glycine, which is neutral and non-polar, with aspartic acid, which is acidic and polar, at codon 55 of the VMA21 protein (p.Gly55Asp).